The following is an entry in ClinVar:

ClinVar aggregate classification (germline): Uncertain significance (1 of 4 stars; one submission).

Submission:

Ambry Genetics
Classification: Uncertain significance. Last evaluated: 2025-05-31. Review status: criteria provided, single submitter. Criteria: Ambry Variant Classification Scheme 2023. Collection method: clinical testing. Allele origin: germline.
Comment: The p.P649R variant (also known as c.1946C>G), located in coding exon 19 of the SRP72 gene, results from a C to G substitution at nucleotide position 1946. The proline at codon 649 is replaced by arginine, an amino acid with dissimilar properties. This amino acid position is conserved. In addition, the in silico prediction for this alteration is inconclusive. Based on the available evidence, the clinical significance of this variant remains unclear.

NM_006947.4(SRP72):c.1946C>G (p.Pro649Arg)

Gene: SRP72 (signal recognition particle 72; plus strand). Cytogenetic location: 4q12.
Variant type: single nucleotide variant.
Coding change: c.1946C>G on transcript NM_006947.4 (MANE Select); coding-DNA position 1946, C replaced by G.
Protein change: p.Pro649Arg; replaces proline 649 with arginine.
Molecular consequence: missense variant. On other transcripts: non-coding transcript variant (1).
Genome position (GRCh38, 1-based): chr4:56,501,791, C>G. VCF-style: chr4-56501791-C-G. GRCh37 (hg19) VCF-style: chr4-57367957-C-G.
Other names: c.1763C>G, p.Pro588Arg (NM_001267722.2); short protein forms P588R, P649R.
Identifiers: ClinVar variation 3962128 (VCV003962128.1).